The following is an entry in ClinVar:

NM_203290.4(POLR1C):c.583G>C (p.Asp195His)

Gene: POLR1C (RNA polymerase I and III subunit C; plus strand). Cytogenetic location: 6p21.1.
Variant type: single nucleotide variant.
Coding change: c.583G>C on transcript NM_203290.4 (MANE Select); coding-DNA position 583, G replaced by C.
Protein change: p.Asp195His; replaces aspartic acid 195 with histidine.
Molecular consequence: missense variant.
Genome position (GRCh38, 1-based): chr6:43,520,355, G>C. VCF-style: chr6-43520355-G-C. GRCh37 (hg19) VCF-style: chr6-43488093-G-C.
Other names: p.Asp195His; c.583G>C, p.Asp195His (NM_001318876.2, NM_001363658.2); short protein forms D195H.
Identifiers: ClinVar variation 722244 (VCV000722244.12), dbSNP rs759760533, ClinGen allele CA3825496.

ClinVar aggregate classification (germline): Conflicting classifications of pathogenicity. Review status: criteria provided, conflicting classifications (1 of 4 stars). 4 submissions from 4 submitters: Uncertain significance (2); Likely benign (2). Last evaluated 2026-03-02.

Conditions:
POLR1C-related disorder. Also called: POLR1C-related disorders; POLR1C-related condition. Identifiers: MedGen CN239394, MONDO:0700278.

Allele frequency attached by ClinVar (database versions not stated): gnomAD 0.00003 and 0.00004; gnomAD exomes 0.00015 and 0.00033; TOPMed 0.00016; ExAC 0.00027.
gnomAD v4.1: 100 of 1,613,650 alleles (0.0062%); highest among the groups gnomAD compares: Admixed American, 0.16%; no homozygotes.

Submissions (4):

PreventionGenetics, part of Exact Sciences
Classification: Likely benign for POLR1C-related condition. Last evaluated: 2026-03-02. Review status: criteria provided, single submitter. Criteria: ACMG Guidelines, 2015. Collection method: clinical testing. Allele origin: germline.
Comment: This variant is classified as likely benign based on ACMG/AMP sequence variant interpretation guidelines (Richards et al. 2015 PMID: 25741868, with internal and published modifications).

Labcorp Genetics (formerly Invitae), Labcorp
Classification: Likely benign. Last evaluated: 2026-01-19. Review status: criteria provided, single submitter. Criteria: Invitae Variant Classification Sherloc (09022015). Collection method: clinical testing. Allele origin: germline.

Women's Health and Genetics/Laboratory Corporation of America, LabCorp
Classification: Uncertain significance. Last evaluated: 2026-01-06. Review status: criteria provided, single submitter. Criteria: LabCorp Variant Classification Summary - May 2015. Collection method: clinical testing. Allele origin: germline.
Comment: Variant summary: POLR1C c.583G>C (p.Asp195His) results in a non-conservative amino acid change in the encoded protein sequence. Algorithms developed to predict the effect of missense changes on protein structure and function all suggest that this variant is likely to be disruptive. The variant allele was found at a frequency of 0.00033 in 250926 control chromosomes, predominantly at a frequency of 0.0024 within the Latino subpopulation in the gnomAD database. This frequency is very similar to maximal expected allele frequency for disease-causing variants in POLR1C, suggesting a benign role for this variant. To our knowledge, no occurrence of c.583G>C in individuals affected with POLR1C-related conditions and no experimental evidence demonstrating its impact on protein function have been reported. ClinVar contains an entry for this variant (Variation ID: 722244). Based on the evidence outlined above, the variant was classified as uncertain significance.

Mayo Clinic Laboratories, Mayo Clinic
Classification: Uncertain significance. Last evaluated: 2025-08-03. Review status: criteria provided, single submitter. Criteria: ACMG Guidelines, 2015. Collection method: clinical testing. Allele origin: germline. Observed: 1 variant allele.
Comment: BS1